The following is an entry in ClinVar:

NM_015338.6(ASXL1):c.1246C>T (p.Leu416Phe)

Gene: ASXL1 (ASXL transcriptional regulator 1; plus strand). Cytogenetic location: 20q11.21.
Variant type: single nucleotide variant.
Coding change: c.1246C>T on transcript NM_015338.6 (MANE Select); coding-DNA position 1246, C replaced by T.
Protein change: p.Leu416Phe; replaces leucine 416 with phenylalanine.
Molecular consequence: missense variant.
Genome position (GRCh38, 1-based): chr20:32,433,444, C>T. VCF-style: chr20-32433444-C-T. GRCh37 (hg19) VCF-style: chr20-31021247-C-T.
Other names: c.1063C>T, p.Leu355Phe (NM_001363734.1); short protein forms L355F, L416F.
Identifiers: ClinVar variation 3385276 (VCV003385276.2).

ClinVar aggregate classification (germline): Uncertain significance. Review status: criteria provided, multiple submitters, no conflicts (2 of 4 stars). 2 submissions from 2 submitters: Uncertain significance (2). Last evaluated 2025-03-04.

Conditions:
Inborn genetic diseases. Identifiers: MedGen C0950123, MeSH D030342.

gnomAD v4.1: 1 of 1,614,216 alleles (0.000062%); highest among the groups gnomAD compares: Non-Finnish European, 0.000085%; no homozygotes.

Submissions (2):

Ambry Genetics
Classification: Uncertain significance for Inborn genetic diseases. Last evaluated: 2025-03-04. Review status: criteria provided, single submitter. Criteria: Ambry Variant Classification Scheme 2023. Collection method: clinical testing. Allele origin: germline.
Comment: The p.L416F variant (also known as c.1246C>T), located in coding exon 12 of the ASXL1 gene, results from a C to T substitution at nucleotide position 1246. The leucine at codon 416 is replaced by phenylalanine, an amino acid with highly similar properties. This amino acid position is conserved. In addition, this alteration is predicted to be tolerated by in silico analysis. Based on the available evidence, the clinical significance of this variant remains unclear.

Women's Health and Genetics/Laboratory Corporation of America, LabCorp
Classification: Uncertain significance. Last evaluated: 2024-10-16. Review status: criteria provided, single submitter. Criteria: LabCorp Variant Classification Summary - May 2015. Collection method: clinical testing. Allele origin: germline.
Comment: Variant summary: ASXL1 c.1246C>T (p.Leu416Phe) results in a non-conservative amino acid change in the encoded protein sequence. Three of five in-silico tools predict a damaging effect of the variant on protein function. The variant was absent in 251454 control chromosomes. The available data on variant occurrences in the general population are insufficient to allow any conclusion about variant significance. To our knowledge, no occurrence of c.1246C>T in individuals affected with Bohring-Opitz Syndrome and no experimental evidence demonstrating its impact on protein function have been reported. No submitters have cited clinical-significance assessments for this variant to ClinVar. Based on the evidence outlined above, the variant was classified as uncertain significance.